The following is an entry in ClinVar:

ClinVar aggregate classification (germline): Uncertain significance. Review status: criteria provided, single submitter (1 of 4 stars). 2 submissions from 2 submitters: Uncertain significance (1). 1 of the submissions does not count toward it. Last evaluated 2024-01-06.

Conditions:
Decreased circulating carnitine concentration. Also called: Decreased plasma carnitine. Identifiers: MedGen C5848230, HP:0003234.
Renal carnitine transport defect (CDSP). Also called: CARNITINE DEFICIENCY, SYSTEMIC, DUE TO DEFECT IN RENAL REABSORPTION OF CARNITINE; CARNITINE TRANSPORTER, PLASMA-MEMBRANE, DEFICIENCY OF; CARNITINE UPTAKE DEFECT; Carnitine transporter deficiency; Primary carnitine deficiency; Systemic primary carnitine deficiency. Identifiers: Orphanet 158, MedGen C0342788, MONDO:0008919, OMIM 212140.

Allele frequency attached by ClinVar (database versions not stated): gnomAD exomes 0.00001 and 0.00002; ExAC 0.00002; TOPMed 0.00003; gnomAD 0.00005.

Submissions (2):

Labcorp Genetics (formerly Invitae), Labcorp
Classification: Uncertain significance for Renal carnitine transport defect. Last evaluated: 2024-01-06. Review status: criteria provided, single submitter. Criteria: Invitae Variant Classification Sherloc (09022015). Collection method: clinical testing. Allele origin: germline.
Comment: This sequence change replaces arginine, which is basic and polar, with glutamine, which is neutral and polar, at codon 341 of the SLC22A5 protein (p.Arg341Gln). This variant is present in population databases (rs757199947, gnomAD 0.01%). This variant has not been reported in the literature in individuals affected with SLC22A5-related conditions. ClinVar contains an entry for this variant (Variation ID: 650541). Advanced modeling of protein sequence and biophysical properties (such as structural, functional, and spatial information, amino acid conservation, physicochemical variation, residue mobility, and thermodynamic stability) performed at Invitae indicates that this missense variant is expected to disrupt SLC22A5 protein function with a positive predictive value of 95%. In summary, the available evidence is currently insufficient to determine the role of this variant in disease. Therefore, it has been classified as a Variant of Uncertain Significance.

Natera, Inc.
Classification: Uncertain significance for Carnitine deficiency. Last evaluated: 2020-09-28. Review status: no assertion criteria provided. Collection method: clinical testing. Allele origin: germline. Not counted in ClinVar's aggregate classification.

NM_003060.4(SLC22A5):c.1022G>A (p.Arg341Gln)

Gene: SLC22A5 (solute carrier family 22 member 5; plus strand). Cytogenetic location: 5q31.1.
Variant type: single nucleotide variant.
Coding change: c.1022G>A on transcript NM_003060.4 (MANE Select); coding-DNA position 1022, G replaced by A.
Protein change: p.Arg341Gln; replaces arginine 341 with glutamine.
Molecular consequence: missense variant.
Genome position (GRCh38, 1-based): chr5:132,388,991, G>A. VCF-style: chr5-132388991-G-A. GRCh37 (hg19) VCF-style: chr5-131724683-G-A.
Other names: c.1094G>A, p.Arg365Gln (NM_001308122.2); short protein forms R365Q, R341Q.
Identifiers: ClinVar variation 650541 (VCV000650541.8), dbSNP rs757199947, ClinGen allele CA3404045.
Genomic context (GRCh38, chr5:132,388,991, plus strand): 5'-TAAGTTCCAAGAAGCAGCAGTCCCACAACATTCTGGATCTGCTTCGAACCTGGAATATCC[G>A]GATGGTCACCATCATGTCCATAATGCTGTGGTATGTAAAAGAGACCTGCCTGAGGCTTCC-3'
Protein context (NP_003051.1, residues 331-351): ILDLLRTWNI[Arg341Gln]MVTIMSIMLW